The following is an entry in ClinVar:

NM_198282.4(STING1):c.40A>C (p.Arg14=)

Gene: STING1 (stimulator of interferon response cGAMP interactor 1; minus strand). Cytogenetic location: 5q31.2.
Variant type: single nucleotide variant.
Coding change: c.40A>C on transcript NM_198282.4 (MANE Select); coding-DNA position 40, A replaced by C.
Protein change: p.Arg14=; no amino-acid change (arginine 14 retained).
Molecular consequence: synonymous variant. On other transcripts: intron variant (1).
Genome position (GRCh38, 1-based): chr5:139,481,665, T>G on the plus strand (A>C on the coding strand, the complement: STING1 is on the minus strand). VCF-style: chr5-139481665-T-G. GRCh37 (hg19) VCF-style: chr5-138861250-T-G.
Other names: c.40A>C, p.Arg14= (NM_001301738.2, LRG_1308t1); c.-130-323A>C (NM_001367258.1).
Identifiers: ClinVar variation 636667 (VCV000636667.16), dbSNP rs761439213, ClinGen allele CA3435512.

ClinVar aggregate classification (germline): Conflicting classifications of pathogenicity. Review status: criteria provided, conflicting classifications (1 of 4 stars). 4 submissions from 4 submitters: Uncertain significance (3); Likely benign (1). Last evaluated 2025-08-02.

Conditions:
Autoinflammatory syndrome. Identifiers: Orphanet 93665, MedGen C3890737, MONDO:0019751.
STING-associated vasculopathy with onset in infancy. Also called: Sting-associated vasculopathy, infantile-onset. Identifiers: Orphanet 425120, MedGen C4014722, MONDO:0014405, OMIM 615934.

Allele frequency attached by ClinVar (database versions not stated): gnomAD exomes below 0.00001 and 0.00001; ExAC 0.00001; gnomAD 0.00001; TOPMed 0.00001.

Submissions (4):

Labcorp Genetics (formerly Invitae), Labcorp
Classification: Likely benign for STING-associated vasculopathy with onset in infancy. Last evaluated: 2025-08-02. Review status: criteria provided, single submitter. Criteria: Invitae Variant Classification Sherloc (09022015). Collection method: clinical testing. Allele origin: germline.

Blueprint Genetics
Classification: Uncertain significance. Last evaluated: 2024-10-09. Review status: criteria provided, single submitter. Criteria: ACMG Guidelines, 2015. Collection method: clinical testing. Allele origin: germline.

Servicio Canario de Salud, Hospital Universitario Nuestra Sra. de Candelaria
Classification: Uncertain significance for STING-associated vasculopathy with onset in infancy. Last evaluated: 2022-12-08. Review status: criteria provided, single submitter. Criteria: ACMG Guidelines, 2015. Collection method: clinical testing. Allele origin: germline. Inheritance: Autosomal dominant inheritance. Affected: yes. Observed: 1 heterozygote.
Comment: This variant is present in population databases (gnomAD allele frequency 0.000004035). ClinVar contains an entry for this variant (Variation ID: 636667). In silico analysis (MutationTaster and Human Splicing Finder) supports that this missense variant has a deleterious effect on splicing effect, but this prediction has not been confirmed by functional studies. In summary, the available evidence for c.40A>C (p.Arg14=) TMEM173 variant is currently insufficient to determine the role of this variant in disease. Therefore, it has been classified as a Variant of Uncertain Significance.

Genome Diagnostics Laboratory, The Hospital for Sick Children
Classification: Uncertain significance for Autoinflammatory syndrome. Last evaluated: 2022-02-18. Review status: criteria provided, single submitter. Criteria: ACMG Guidelines, 2015. Collection method: clinical testing. Allele origin: germline. Affected: yes.